The following is an entry in ClinVar:

NM_004621.6(TRPC6):c.1556A>G (p.Lys519Arg)

Gene: TRPC6 (transient receptor potential cation channel subfamily C member 6; minus strand). Cytogenetic location: 11q22.1.
Variant type: single nucleotide variant.
Coding change: c.1556A>G on transcript NM_004621.6 (MANE Select); coding-DNA position 1556, A replaced by G.
Protein change: p.Lys519Arg; replaces lysine 519 with arginine.
Molecular consequence: missense variant.
Genome position (GRCh38, 1-based): chr11:101,476,489, T>C on the plus strand (A>G on the coding strand, the complement: TRPC6 is on the minus strand). VCF-style: chr11-101476489-T-C. GRCh37 (hg19) VCF-style: chr11-101347220-T-C.
Other names: short protein forms K519R.
Identifiers: ClinVar variation 1436723 (VCV001436723.6), dbSNP rs748832998, ClinGen allele CA6244304.

ClinVar aggregate classification (germline): Uncertain significance (1 of 4 stars; one submission).

Allele frequency attached by ClinVar (database versions not stated): gnomAD exomes below 0.00001 and 0.00001; ExAC 0.00001; gnomAD 0.00001.
gnomAD v4.1: 9 of 1,614,002 alleles (0.00056%); highest among the groups gnomAD compares: Non-Finnish European, 0.00042%; no homozygotes.

Submission:

Labcorp Genetics (formerly Invitae), Labcorp
Classification: Uncertain significance. Last evaluated: 2021-11-11. Review status: criteria provided, single submitter. Criteria: Invitae Variant Classification Sherloc (09022015). Collection method: clinical testing. Allele origin: germline.
Comment: This variant is present in population databases (rs748832998, gnomAD 0.004%). This sequence change replaces lysine, which is basic and polar, with arginine, which is basic and polar, at codon 519 of the TRPC6 protein (p.Lys519Arg). In summary, the available evidence is currently insufficient to determine the role of this variant in disease. Therefore, it has been classified as a Variant of Uncertain Significance. Algorithms developed to predict the effect of missense changes on protein structure and function (SIFT, PolyPhen-2, Align-GVGD) all suggest that this variant is likely to be tolerated. This variant has not been reported in the literature in individuals affected with TRPC6-related conditions.